The following is an entry in ClinVar:

ClinVar aggregate classification (germline): Pathogenic (1 of 4 stars; one submission).

Conditions:
Hereditary cancer-predisposing syndrome. Also called: Neoplastic Syndromes, Hereditary; Hereditary Cancer Syndrome; Hereditary neoplastic syndrome; Tumor predisposition. Identifiers: Orphanet 140162, MedGen C0027672, MeSH D009386, MONDO:0015356.

Submission:

Ambry Genetics
Classification: Pathogenic for Hereditary cancer-predisposing syndrome. Last evaluated: 2023-03-16. Review status: criteria provided, single submitter. Criteria: Ambry Variant Classification Scheme 2023. Collection method: clinical testing. Allele origin: germline.
Comment: The p.S2046* pathogenic mutation (also known as c.6137C>G), located in coding exon 10 of the BRCA2 gene, results from a C to G substitution at nucleotide position 6137. This changes the amino acid from a serine to a stop codon within coding exon 10. This variant is considered to be rare based on population cohorts in the Genome Aggregation Database (gnomAD). This alteration is expected to result in loss of function by premature protein truncation or nonsense-mediated mRNA decay. As such, this alteration is interpreted as a disease-causing mutation.

NM_000059.4(BRCA2):c.6137C>G (p.Ser2046Ter)

Gene: BRCA2 (BRCA2 DNA repair associated; plus strand). Cytogenetic location: 13q13.1.
Variant type: single nucleotide variant.
Coding change: c.6137C>G on transcript NM_000059.4 (MANE Select); coding-DNA position 6137, C replaced by G.
Protein change: p.Ser2046Ter; replaces serine 2046 with a stop codon.
Molecular consequence: nonsense. On other transcripts: non-coding transcript variant (1), intron variant (2).
Genome position (GRCh38, 1-based): chr13:32,340,492, C>G. VCF-style: chr13-32340492-C-G. GRCh37 (hg19) VCF-style: chr13-32914629-C-G.
Other names: c.6137C>G, p.Ser2046Ter (NM_001406719.1, NM_001406720.1); c.1910-4066C>G (NM_001406721.1); c.425-4066C>G (NM_001406722.1); short protein forms S2046*.
Identifiers: ClinVar variation 2565954 (VCV002565954.2), dbSNP rs2072547315, ClinGen allele CA387788234.